The following is an entry in ClinVar:

NM_000271.5(NPC1):c.181-3A>G

Gene: NPC1 (NPC intracellular cholesterol transporter 1; minus strand). Cytogenetic location: 18q11.2.
Variant type: single nucleotide variant.
Coding change: c.181-3A>G on transcript NM_000271.5 (MANE Select); 3 bases into the intron before coding-DNA position 181, A replaced by G.
Molecular consequence: intron variant.
Genome position (GRCh38, 1-based): chr18:23,572,183, T>C on the plus strand (A>G on the coding strand, the complement: NPC1 is on the minus strand). VCF-style: chr18-23572183-T-C. GRCh37 (hg19) VCF-style: chr18-21152147-T-C.
Identifiers: ClinVar variation 595785 (VCV000595785.7), dbSNP rs371126954, ClinGen allele CA8913795.

ClinVar aggregate classification (germline): Uncertain significance. Review status: criteria provided, multiple submitters, no conflicts (2 of 4 stars). 2 submissions from 2 submitters: Uncertain significance (2). Last evaluated 2025-01-06.

Conditions:
Niemann-Pick disease, type C1. Also called: NEUROVISCERAL STORAGE DISEASE WITH VERTICAL SUPRANUCLEAR OPHTHALMOPLEGIA; NIEMANN-PICK DISEASE WITH CHOLESTEROL ESTERIFICATION BLOCK; NIEMANN-PICK DISEASE WITHOUT SPHINGOMYELINASE DEFICIENCY; NIEMANN-PICK DISEASE, CHRONIC NEURONOPATHIC FORM; NIEMANN-PICK DISEASE, VARIANT TYPE C1. Identifiers: Orphanet 646, MedGen C3179455, MONDO:0009757, OMIM 257220.

Allele frequency attached by ClinVar (database versions not stated): ExAC 0.00001; TOPMed 0.00003; gnomAD 0.00005 and 0.00006; ESP Exome Variant Server 0.00008.
gnomAD v4.1: 11 of 1,610,468 alleles (0.00068%); highest among the groups gnomAD compares: African/African-American, 0.0094%; no homozygotes.

Submissions (2):

Labcorp Genetics (formerly Invitae), Labcorp
Classification: Uncertain significance for Niemann-Pick disease, type C1. Last evaluated: 2025-01-06. Review status: criteria provided, single submitter. Criteria: Invitae Variant Classification Sherloc (09022015). Collection method: clinical testing. Allele origin: germline.
Comment: This sequence change falls in intron 2 of the NPC1 gene. It does not directly change the encoded amino acid sequence of the NPC1 protein. It affects a nucleotide within the consensus splice site. This variant is present in population databases (rs371126954, gnomAD 0.02%). This variant has not been reported in the literature in individuals affected with NPC1-related conditions. ClinVar contains an entry for this variant (Variation ID: 595785). Variants that disrupt the consensus splice site are a relatively common cause of aberrant splicing (PMID: 17576681, 9536098). Algorithms developed to predict the effect of sequence changes on RNA splicing suggest that this variant may disrupt the consensus splice site. In summary, the available evidence is currently insufficient to determine the role of this variant in disease. Therefore, it has been classified as a Variant of Uncertain Significance.

Eurofins Ntd Llc (ga)
Classification: Uncertain significance. Last evaluated: 2018-01-19. Review status: criteria provided, single submitter. Criteria: EGL Classification Definitions 2015. Collection method: clinical testing. Allele origin: germline. Observed: 2 variant alleles, 2 heterozygotes.

Literature cited by the submitters: PubMed 17576681 (cited by Labcorp Genetics (formerly Invitae), Labcorp); PubMed 9536098 (cited by Labcorp Genetics (formerly Invitae), Labcorp).